The following is an entry in ClinVar:

ClinVar aggregate classification (germline): Uncertain significance (1 of 4 stars; one submission).

Submission:

Labcorp Genetics (formerly Invitae), Labcorp
Classification: Uncertain significance. Last evaluated: 2023-06-04. Review status: criteria provided, single submitter. Criteria: Invitae Variant Classification Sherloc (09022015). Collection method: clinical testing. Allele origin: germline.
Comment: In summary, the available evidence is currently insufficient to determine the role of this variant in disease. Therefore, it has been classified as a Variant of Uncertain Significance. An algorithm developed to predict the effect of missense changes on protein structure and function (PolyPhen-2) suggests that this variant is likely to be tolerated. This variant has not been reported in the literature in individuals affected with NLRP1-related conditions. This variant is not present in population databases (gnomAD no frequency). This sequence change replaces asparagine, which is neutral and polar, with lysine, which is basic and polar, at codon 1096 of the NLRP1 protein (p.Asn1096Lys).

NM_033004.4(NLRP1):c.3288C>G (p.Asn1096Lys)

Gene: NLRP1 (NLR family pyrin domain containing 1; minus strand). Cytogenetic location: 17p13.2.
Variant type: single nucleotide variant.
Coding change: c.3288C>G on transcript NM_033004.4 (MANE Select); coding-DNA position 3288, C replaced by G.
Protein change: p.Asn1096Lys; replaces asparagine 1096 with lysine.
Molecular consequence: missense variant.
Genome position (GRCh38, 1-based): chr17:5,532,830, G>C on the plus strand (C>G on the coding strand, the complement: NLRP1 is on the minus strand). VCF-style: chr17-5532830-G-C. GRCh37 (hg19) VCF-style: chr17-5436150-G-C.
Other names: c.3300C>G, p.Asn1100Lys (NM_001033053.3); c.3288C>G, p.Asn1096Lys (NM_014922.5); c.3198C>G, p.Asn1066Lys (NM_033006.4, NM_033007.4); short protein forms N1066K, N1096K, N1100K.
Identifiers: ClinVar variation 2767184 (VCV002767184.3), dbSNP rs2507802114, ClinGen allele CA397391433.